The following is an entry in ClinVar:

ClinVar aggregate classification (germline): Uncertain significance (1 of 4 stars; one submission).

gnomAD v4.1: 1 of 1,600,702 alleles (0.000062%); highest among the groups gnomAD compares: African/African-American, 0.0013%; no homozygotes.

Submission:

Labcorp Genetics (formerly Invitae), Labcorp
Classification: Uncertain significance. Last evaluated: 2024-02-05. Review status: criteria provided, single submitter. Criteria: Invitae Variant Classification Sherloc (09022015). Collection method: clinical testing. Allele origin: germline.
Comment: This sequence change replaces glycine, which is neutral and non-polar, with alanine, which is neutral and non-polar, at codon 419 of the DOCK6 protein (p.Gly419Ala). This variant is not present in population databases (gnomAD no frequency). This variant has not been reported in the literature in individuals affected with DOCK6-related conditions. ClinVar contains an entry for this variant (Variation ID: 2056461). An algorithm developed to predict the effect of missense changes on protein structure and function (PolyPhen-2) suggests that this variant is likely to be tolerated. In summary, the available evidence is currently insufficient to determine the role of this variant in disease. Therefore, it has been classified as a Variant of Uncertain Significance.

NM_020812.4(DOCK6):c.1256G>C (p.Gly419Ala)

Gene: DOCK6 (dedicator of cytokinesis 6; minus strand). Cytogenetic location: 19p13.2.
Variant type: single nucleotide variant.
Coding change: c.1256G>C on transcript NM_020812.4 (MANE Select); coding-DNA position 1256, G replaced by C.
Protein change: p.Gly419Ala; replaces glycine 419 with alanine.
Molecular consequence: missense variant.
Genome position (GRCh38, 1-based): chr19:11,243,559, C>G on the plus strand (G>C on the coding strand, the complement: DOCK6 is on the minus strand). VCF-style: chr19-11243559-C-G. GRCh37 (hg19) VCF-style: chr19-11354235-C-G.
Other names: c.1256G>C, p.Gly419Ala (NM_001367830.1); short protein forms G419A.
Identifiers: ClinVar variation 2056461 (VCV002056461.4), dbSNP rs775121579, ClinGen allele CA404109905.
Genomic context (GRCh38, chr19:11,243,559, plus strand): 5'-AGGCCTGTCAGCACCACCCTTTAGCCCCGCCCCAAGCCTGTTAGCCCCGCCTCCTCACCG[C>G]CCTCCGAGTCAGAGTCCCGGTCCAGCTGCCCAGCGCTGCTCACGATGTTGGCCAAGTGCA-3'
Protein context (NP_065863.2, residues 409-429): GQLDRDSDSE[Gly419Ala]ERRPAWTDRR